The following is an entry in ClinVar:

ClinVar aggregate classification (germline): Uncertain significance (1 of 4 stars; one submission).

Conditions:
Tuberous sclerosis 2 (TSC2). Identifiers: Orphanet 805, MedGen C1860707, MONDO:0013199, OMIM 613254.

Allele frequency attached by ClinVar (database versions not stated): gnomAD exomes below 0.00001.
gnomAD v4.1: 1 of 1,614,160 alleles (0.000062%); highest among the groups gnomAD compares: East Asian, 0.0022%; no homozygotes.

Submission:

Labcorp Genetics (formerly Invitae), Labcorp
Classification: Uncertain significance for Tuberous sclerosis 2. Last evaluated: 2023-05-11. Review status: criteria provided, single submitter. Criteria: Invitae Variant Classification Sherloc (09022015). Collection method: clinical testing. Allele origin: germline.
Comment: This sequence change replaces leucine, which is neutral and non-polar, with valine, which is neutral and non-polar, at codon 380 of the TSC2 protein (p.Leu380Val). This variant is not present in population databases (gnomAD no frequency). This variant has not been reported in the literature in individuals affected with TSC2-related conditions. Advanced modeling of protein sequence and biophysical properties (such as structural, functional, and spatial information, amino acid conservation, physicochemical variation, residue mobility, and thermodynamic stability) performed at Invitae indicates that this missense variant is not expected to disrupt TSC2 protein function. In summary, the available evidence is currently insufficient to determine the role of this variant in disease. Therefore, it has been classified as a Variant of Uncertain Significance.

NM_000548.5(TSC2):c.1138C>G (p.Leu380Val)

Gene: TSC2 (TSC complex subunit 2; plus strand). Cytogenetic location: 16p13.3.
Variant type: single nucleotide variant.
Coding change: c.1138C>G on transcript NM_000548.5 (MANE Select); coding-DNA position 1138, C replaced by G.
Protein change: p.Leu380Val; replaces leucine 380 with valine.
Molecular consequence: missense variant. On other transcripts: 5 prime UTR variant (10), non-coding transcript variant (5).
Genome position (GRCh38, 1-based): chr16:2,061,889, C>G. VCF-style: chr16-2061889-C-G. GRCh37 (hg19) VCF-style: chr16-2111890-C-G.
Other names: c.1138C>G, p.Leu380Val (NM_001077183.3, NM_001114382.3, NM_001363528.2 and 6 more transcripts); c.1027C>G, p.Leu343Val (NM_001318827.2, NM_001406670.1, NM_001406678.1); c.991C>G, p.Leu331Val (NM_001318829.2, NM_001406675.1, NM_001406676.1 and 1 more transcripts); c.538C>G, p.Leu180Val (NM_001318831.2, NM_001406680.1, NM_001406682.1 and 6 more transcripts); c.1171C>G, p.Leu391Val (NM_001318832.2); c.1228C>G, p.Leu410Val (NM_001406667.1, NM_001406668.1); c.1126C>G, p.Leu376Val (NM_001406671.1, NM_001406673.1); c.1081C>G, p.Leu361Val (NM_001406677.1); and 4 more; short protein forms L410V, L376V, L380V, L180V, L391V, L331V, L343V, L226V.
Identifiers: ClinVar variation 2863367 (VCV002863367.3), dbSNP rs2151154287, ClinGen allele CA394319940.